The following is an entry in ClinVar:

NM_013444.4(UBQLN2):c.881C>T (p.Ser294Phe)

Gene: UBQLN2 (ubiquilin 2; plus strand). Cytogenetic location: Xp11.21.
Variant type: single nucleotide variant.
Coding change: c.881C>T on transcript NM_013444.4 (MANE Select); coding-DNA position 881, C replaced by T.
Protein change: p.Ser294Phe; replaces serine 294 with phenylalanine.
Molecular consequence: missense variant.
Genome position (GRCh38, 1-based): chrX:56,564,754, C>T. VCF-style: chrX-56564754-C-T. GRCh37 (hg19) VCF-style: chrX-56591187-C-T.
Other names: short protein forms S294F.
Identifiers: ClinVar variation 4706387 (VCV004706387.1).

ClinVar aggregate classification (germline): Uncertain significance (1 of 4 stars; one submission).

Conditions:
Amyotrophic lateral sclerosis type 15. Also called: AMYOTROPHIC LATERAL SCLEROSIS 15 WITH FRONTOTEMPORAL DEMENTIA. Identifiers: Orphanet 803, MedGen C3275459, MONDO:0010459, OMIM 300857.

Submission:

Labcorp Genetics (formerly Invitae), Labcorp
Classification: Uncertain significance for Amyotrophic lateral sclerosis type 15. Last evaluated: 2026-01-24. Review status: criteria provided, single submitter. Criteria: Invitae Variant Classification Sherloc (09022015). Collection method: clinical testing. Allele origin: germline.
Comment: This sequence change replaces serine, which is neutral and polar, with phenylalanine, which is neutral and non-polar, at codon 294 of the UBQLN2 protein (p.Ser294Phe). This variant is present in population databases (rs773728639, gnomAD 0.01%), including at least one homozygous and/or hemizygous individual. This variant has not been reported in the literature in individuals affected with UBQLN2-related conditions. Invitae Evidence Modeling of protein sequence and biophysical properties (such as structural, functional, and spatial information, amino acid conservation, physicochemical variation, residue mobility, and thermodynamic stability) has been performed for this missense variant. However, the output from this modeling did not meet the statistical confidence thresholds required to predict the impact of this variant on UBQLN2 protein function. In summary, the available evidence is currently insufficient to determine the role of this variant in disease. Therefore, it has been classified as a Variant of Uncertain Significance.